The following is an entry in ClinVar:

NM_014846.4(WASHC5):c.1963C>T (p.Arg655Cys)

Gene: WASHC5 (WASH complex subunit 5; minus strand). Cytogenetic location: 8q24.13.
Variant type: single nucleotide variant.
Coding change: c.1963C>T on transcript NM_014846.4 (MANE Select); coding-DNA position 1963, C replaced by T.
Protein change: p.Arg655Cys; replaces arginine 655 with cysteine.
Molecular consequence: missense variant.
Genome position (GRCh38, 1-based): chr8:125,056,730, G>A on the plus strand (C>T on the coding strand, the complement: WASHC5 is on the minus strand). VCF-style: chr8-125056730-G-A. GRCh37 (hg19) VCF-style: chr8-126068972-G-A.
Other names: c.1519C>T, p.Arg507Cys (NM_001330609.2); short protein forms R655C, R507C.
Identifiers: ClinVar variation 1986598 (VCV001986598.7), dbSNP rs148951367, ClinGen allele CA4873672.

ClinVar aggregate classification (germline): Uncertain significance. Review status: criteria provided, multiple submitters, no conflicts (2 of 4 stars). 3 submissions from 3 submitters: Uncertain significance (3). Last evaluated 2026-08-04.

Conditions:
Hereditary spastic paraplegia 8 (SPG8). Also called: SPASTIC PARAPLEGIA 8, AUTOSOMAL DOMINANT. Identifiers: Orphanet 100989, MedGen C1863704, MONDO:0011339, OMIM 603563.
Ritscher-Schinzel syndrome. Also called: CRANIOCEREBELLOCARDIAC DYSPLASIA. Identifiers: Orphanet 7, MedGen C0796137, MONDO:0019078.
Inborn genetic diseases. Identifiers: MedGen C0950123, MeSH D030342.

Allele frequency attached by ClinVar (database versions not stated): gnomAD 0.00003; TOPMed 0.00003; ExAC 0.00004; ESP Exome Variant Server 0.00008.
gnomAD v4.1: 112 of 1,613,970 alleles (0.0069%); highest among the groups gnomAD compares: Non-Finnish European, 0.0088%; no homozygotes.

Submissions (3):

GeneDx
Classification: Uncertain significance. Last evaluated: 2026-08-04. Review status: criteria provided, single submitter. Criteria: GeneDx Variant Classification Process June 2021. Collection method: clinical testing. Allele origin: germline.
Comment: In silico analysis supports that this missense variant has a deleterious effect on protein structure/function; Has not been previously published as pathogenic or benign to our knowledge

Labcorp Genetics (formerly Invitae), Labcorp
Classification: Uncertain significance for Ritscher-Schinzel syndrome; Hereditary spastic paraplegia 8. Last evaluated: 2025-05-21. Review status: criteria provided, single submitter. Criteria: Invitae Variant Classification Sherloc (09022015). Collection method: clinical testing. Allele origin: germline.
Comment: This sequence change replaces arginine, which is basic and polar, with cysteine, which is neutral and slightly polar, at codon 655 of the WASHC5 protein (p.Arg655Cys). This variant is present in population databases (rs148951367, gnomAD 0.01%). This variant has not been reported in the literature in individuals affected with WASHC5-related conditions. ClinVar contains an entry for this variant (Variation ID: 1986598). Invitae Evidence Modeling of protein sequence and biophysical properties (such as structural, functional, and spatial information, amino acid conservation, physicochemical variation, residue mobility, and thermodynamic stability) indicates that this missense variant is expected to disrupt WASHC5 protein function with a positive predictive value of 80%. In summary, the available evidence is currently insufficient to determine the role of this variant in disease. Therefore, it has been classified as a Variant of Uncertain Significance.

Ambry Genetics
Classification: Uncertain significance for Inborn genetic diseases. Last evaluated: 2022-07-21. Review status: criteria provided, single submitter. Criteria: Ambry Variant Classification Scheme 2023. Collection method: clinical testing. Allele origin: germline.